The following is an entry in ClinVar:

NM_183381.3(RNF13):c.346T>C (p.Tyr116His)

Gene: RNF13 (ring finger protein 13; plus strand). Cytogenetic location: 3q25.1.
Variant type: single nucleotide variant.
Coding change: c.346T>C on transcript NM_183381.3 (MANE Select); coding-DNA position 346, T replaced by C.
Protein change: p.Tyr116His; replaces tyrosine 116 with histidine.
Molecular consequence: missense variant. On other transcripts: 5 prime UTR variant (6), non-coding transcript variant (1).
Genome position (GRCh38, 1-based): chr3:149,895,497, T>C. VCF-style: chr3-149895497-T-C. GRCh37 (hg19) VCF-style: chr3-149613284-T-C.
Other names: c.346T>C, p.Tyr116His (NM_001378285.1, NM_001378286.1, NM_007282.4); c.-22T>C (NM_001378287.1, NM_001378288.1, NM_001378289.1 and 2 more transcripts); c.-48T>C (NM_001378291.1); short protein forms Y116H.
Identifiers: ClinVar variation 3893504 (VCV003893504.1).
Genomic context (GRCh38, chr3:149,895,497, plus strand): 5'-ATAACATAATTTTTTTTTTTTTTTTTTGCTTTGCAGGTTTTAAATGCACAGAGAGCAGGA[T>C]ACAAGGCAGCCATAGTTCACAATGTTGATTCTGATGACCTCATTAGCATGGGATCCAACG-3'
Protein context (NP_899237.1, residues 106-126): IKVLNAQRAG[Tyr116His]KAAIVHNVDS

ClinVar aggregate classification (germline): Uncertain significance (1 of 4 stars; one submission).

Submission:

GeneDx
Classification: Uncertain significance. Last evaluated: 2024-10-22. Review status: criteria provided, single submitter. Criteria: GeneDx Variant Classification Process June 2021. Collection method: clinical testing. Allele origin: germline. Affected: yes.
Comment: Not observed at significant frequency in large population cohorts (gnomAD); In silico analysis supports that this missense variant has a deleterious effect on protein structure/function; Has not been previously published as pathogenic or benign to our knowledge